The following is an entry in ClinVar:

NM_004595.5(SMS):c.966A>C (p.Thr322=)

Gene: SMS (spermine synthase; plus strand). Cytogenetic location: Xp22.11.
Variant type: single nucleotide variant.
Coding change: c.966A>C on transcript NM_004595.5 (MANE Select); coding-DNA position 966, A replaced by C.
Protein change: p.Thr322=; no amino-acid change (threonine 322 retained).
Molecular consequence: synonymous variant.
Genome position (GRCh38, 1-based): chrX:21,992,617, A>C. VCF-style: chrX-21992617-A-C. GRCh37 (hg19) VCF-style: chrX-22010735-A-C.
Other names: c.807A>C, p.Thr269= (NM_001258423.2).
Identifiers: ClinVar variation 3036688 (VCV003036688.2), dbSNP rs141710642, ClinGen allele CA10367899.

ClinVar aggregate classification (germline): Likely benign (0 of 4 stars; one submission).

Conditions:
SMS-related disorder. Also called: SMS-related condition.

Allele frequency attached by ClinVar (database versions not stated): ExAC 0.00002; gnomAD 0.00004; TOPMed 0.00007; ESP Exome Variant Server 0.00009; gnomAD exomes 0.00011.
gnomAD v4.1: 126 of 1,199,110 alleles (0.011%); highest among the groups gnomAD compares: Non-Finnish European, 0.013%; no homozygotes.

Submission:

PreventionGenetics, part of Exact Sciences
Classification: Likely benign for SMS-related condition. Last evaluated: 2021-12-22. Review status: no assertion criteria provided. Collection method: clinical testing. Allele origin: germline.
Comment: This variant is classified as likely benign based on ACMG/AMP sequence variant interpretation guidelines (Richards et al. 2015 PMID: 25741868, with internal and published modifications).